The following is an entry in ClinVar:

NM_000548.5(TSC2):c.1400dup (p.Asp467fs)

Gene: TSC2 (TSC complex subunit 2; plus strand). Cytogenetic location: 16p13.3.
Variant type: Duplication.
Coding change: c.1400dup on transcript NM_000548.5 (MANE Select); coding-DNA position 1400, one base duplicated (A; older notation c.1400dupA).
Protein change: p.Asp467fs; shifts the reading frame from aspartic acid 467.
Molecular consequence: frameshift variant. On other transcripts: non-coding transcript variant (5), intron variant (1).
Genome position (GRCh38, 1-based): chr16:2,063,010, A duplicated. VCF-style (leftmost placement, unchanged base first): chr16-2063009-G-GA. GRCh37 (hg19) VCF-style: chr16-2113010-G-GA.
Other names: c.1400dup, p.Asp467fs (NM_001363528.2, NM_001370404.1, NM_001370405.1 and 6 more transcripts); c.1490dup, p.Asp497fs (NM_001406667.1, NM_001406668.1); c.1289dup, p.Asp430fs (NM_001406670.1, NM_001318827.2, NM_001406678.1); c.1253dup, p.Asp418fs (NM_001318829.2, NM_001406675.1, NM_001406676.1 and 1 more transcripts); c.800dup, p.Asp267fs (NM_001318831.2, NM_001406680.1, NM_001406682.1 and 6 more transcripts); c.1433dup, p.Asp478fs (NM_001318832.2); c.1388dup, p.Asp463fs (NM_001406671.1, NM_001406673.1); c.1343dup, p.Asp448fs (NM_001406677.1); and 3 more; short protein forms D19fs, D267fs, D313fs, D418fs, D430fs, D448fs, D463fs, D467fs.
Identifiers: ClinVar variation 3066219 (VCV003066219.1), dbSNP rs2548553723, ClinGen allele CA2740098070.
Genomic context (GRCh38, chr16:2,063,009, plus strand): 5'-CCCAGCAGGCTGCCGTCCCGCAGGAGCGAGTCCCGAGGCGCCGTGCGCATCAAGGTGCTG[G>GA]ACGTGCTGTCCTTTGTGCTGCTCATCAACAGGCAGTTCTATGAGGTGCGTGTCCAGGCGG-3'

ClinVar aggregate classification (germline): Pathogenic (1 of 4 stars; one submission).

Conditions:
Tuberous sclerosis 2 (TSC2). Identifiers: Orphanet 805, MedGen C1860707, MONDO:0013199, OMIM 613254.

Submission:

MVZ Medizinische Genetik Mainz
Classification: Pathogenic for Tuberous sclerosis 2. Last evaluated: 2023-12-11. Review status: criteria provided, single submitter. Criteria: UK Practice Guidelines For Variant Classification V4 01 2020. Collection method: clinical testing. Allele origin: germline. Inheritance: Autosomal dominant inheritance. Affected: yes. Observed: 1 variant allele.
Comment: ACMG Criteria: PVS1,PM2_SUP_MOD